The following is an entry in ClinVar:

NM_001085487.3(MYSM1):c.448C>T (p.Arg150Cys)

Gene: MYSM1 (Myb like, SWIRM and MPN domains 1; minus strand). Cytogenetic location: 1p32.1.
Variant type: single nucleotide variant.
Coding change: c.448C>T on transcript NM_001085487.3 (MANE Select); coding-DNA position 448, C replaced by T.
Protein change: p.Arg150Cys; replaces arginine 150 with cysteine.
Molecular consequence: missense variant.
Genome position (GRCh38, 1-based): chr1:58,685,203, G>A on the plus strand (C>T on the coding strand, the complement: MYSM1 is on the minus strand). VCF-style: chr1-58685203-G-A. GRCh37 (hg19) VCF-style: chr1-59150875-G-A.
Other names: c.448C>T (NM_001085487.2); short protein forms R150C.
Identifiers: ClinVar variation 1905793 (VCV001905793.5), dbSNP rs370333619, ClinGen allele CA878018.

ClinVar aggregate classification (germline): Uncertain significance. Review status: criteria provided, multiple submitters, no conflicts (2 of 4 stars). 2 submissions from 2 submitters: Uncertain significance (2). Last evaluated 2025-12-18.

Conditions:
Inborn genetic diseases. Identifiers: MedGen C0950123, MeSH D030342.

Allele frequency attached by ClinVar (database versions not stated): TOPMed 0.00001; ExAC 0.00002; gnomAD 0.00002; ESP Exome Variant Server 0.00009.

Submissions (2):

Labcorp Genetics (formerly Invitae), Labcorp
Classification: Uncertain significance. Last evaluated: 2025-12-18. Review status: criteria provided, single submitter. Criteria: Invitae Variant Classification Sherloc (09022015). Collection method: clinical testing. Allele origin: germline.
Comment: This sequence change replaces arginine, which is basic and polar, with cysteine, which is neutral and slightly polar, at codon 150 of the MYSM1 protein (p.Arg150Cys). This variant is present in population databases (rs370333619, gnomAD 0.006%). This variant has not been reported in the literature in individuals affected with MYSM1-related conditions. ClinVar contains an entry for this variant (Variation ID: 1905793). Invitae Evidence Modeling of protein sequence and biophysical properties (such as structural, functional, and spatial information, amino acid conservation, physicochemical variation, residue mobility, and thermodynamic stability) indicates that this missense variant is expected to disrupt MYSM1 protein function with a positive predictive value of 80%. In summary, the available evidence is currently insufficient to determine the role of this variant in disease. Therefore, it has been classified as a Variant of Uncertain Significance.

Ambry Genetics
Classification: Uncertain significance for Inborn genetic diseases. Last evaluated: 2024-08-20. Review status: criteria provided, single submitter. Criteria: Ambry Variant Classification Scheme 2023. Collection method: clinical testing. Allele origin: germline.